The following is an entry in ClinVar:

ClinVar aggregate classification (germline): Uncertain significance. Review status: criteria provided, multiple submitters, no conflicts (2 of 4 stars). 2 submissions from 2 submitters: Uncertain significance (2). Last evaluated 2023-03-29.

Submissions (2):

Ambry Genetics
Classification: Uncertain significance. Last evaluated: 2023-03-29. Review status: criteria provided, single submitter. Criteria: Ambry Variant Classification Scheme 2023. Collection method: clinical testing. Allele origin: germline.

Labcorp Genetics (formerly Invitae), Labcorp
Classification: Uncertain significance. Last evaluated: 2022-10-13. Review status: criteria provided, single submitter. Criteria: Invitae Variant Classification Sherloc (09022015). Collection method: clinical testing. Allele origin: germline.
Comment: Algorithms developed to predict the effect of missense changes on protein structure and function are either unavailable or do not agree on the potential impact of this missense change (SIFT: "Deleterious"; PolyPhen-2: "Possibly Damaging"; Align-GVGD: "Class C0"). ClinVar contains an entry for this variant (Variation ID: 1495930). This variant has not been reported in the literature in individuals affected with RIMS1-related conditions. This variant is not present in population databases (gnomAD no frequency). This sequence change replaces proline, which is neutral and non-polar, with arginine, which is basic and polar, at codon 514 of the RIMS1 protein (p.Pro514Arg). In summary, the available evidence is currently insufficient to determine the role of this variant in disease. Therefore, it has been classified as a Variant of Uncertain Significance.

NM_014989.7(RIMS1):c.1541C>G (p.Pro514Arg)

Gene: RIMS1 (regulating synaptic membrane exocytosis 1; plus strand). Cytogenetic location: 6q13.
Variant type: single nucleotide variant.
Coding change: c.1541C>G on transcript NM_014989.7 (MANE Select); coding-DNA position 1541, C replaced by G.
Protein change: p.Pro514Arg; replaces proline 514 with arginine.
Molecular consequence: missense variant.
Genome position (GRCh38, 1-based): chr6:72,183,012, C>G. VCF-style: chr6-72183012-C-G. GRCh37 (hg19) VCF-style: chr6-72892715-C-G.
Other names: c.1541C>G (NM_014989.4); short protein forms P514R.
Identifiers: ClinVar variation 1495930 (VCV001495930.10), dbSNP rs2153970711, ClinGen allele CA364821884.